The following is an entry in ClinVar:

ClinVar aggregate classification (germline): Conflicting classifications of pathogenicity. Review status: criteria provided, conflicting classifications (1 of 4 stars). 2 submissions from 2 submitters: Uncertain significance (1); Likely benign (1). Last evaluated 2023-03-23.

Conditions:
Hereditary cancer-predisposing syndrome. Also called: Tumor predisposition; Hereditary Cancer Syndrome; Neoplastic Syndromes, Hereditary; Hereditary neoplastic syndrome. Identifiers: Orphanet 140162, MedGen C0027672, MeSH D009386, MONDO:0015356.

Submissions (2):

University of Washington Department of Laboratory Medicine, University of Washington
Classification: Likely benign for Hereditary cancer-predisposing syndrome. Last evaluated: 2023-03-23. Review status: criteria provided, single submitter. Criteria: Dines et al. (Genet Med. 2020). Collection method: curation. Allele origin: germline.
Comment: Missense variant in a coldspot region where missense variants are very unlikely to be pathogenic (PMID:31911673).

BRCA1 coldspot (exon 11 using historical exon numbering). Reclassification based on statistical prior probability

Ambry Genetics
Classification: Uncertain significance for Hereditary cancer-predisposing syndrome. Last evaluated: 2021-05-14. Review status: criteria provided, single submitter. Criteria: Ambry Variant Classification Scheme 2023. Collection method: clinical testing. Allele origin: germline.
Comment: The p.D936N variant (also known as c.2806G>A), located in coding exon 9 of the BRCA1 gene, results from a G to A substitution at nucleotide position 2806. The aspartic acid at codon 936 is replaced by asparagine, an amino acid with highly similar properties. This amino acid position is not well conserved in available vertebrate species. In addition, this alteration is predicted to be tolerated by in silico analysis. Since supporting evidence is limited at this time, the clinical significance of this alteration remains unclear.

NM_007294.4(BRCA1):c.2806G>A (p.Asp936Asn)

Gene: BRCA1 (BRCA1 DNA repair associated; minus strand). Cytogenetic location: 17q21.31.
Variant type: single nucleotide variant.
Coding change: c.2806G>A on transcript NM_007294.4 (MANE Select); coding-DNA position 2806, G replaced by A.
Protein change: p.Asp936Asn; replaces aspartic acid 936 with asparagine.
Molecular consequence: missense variant. On other transcripts: intron variant (137).
Genome position (GRCh38, 1-based): chr17:43,092,725, C>T on the plus strand (G>A on the coding strand, the complement: BRCA1 is on the minus strand). VCF-style: chr17-43092725-C-T. GRCh37 (hg19) VCF-style: chr17-41244742-C-T.
Other names: c.2593G>A, p.Asp865Asn (NM_001407571.1, NM_001407853.1, NM_001407894.1 and 9 more transcripts); c.2806G>A, p.Asp936Asn (NM_001407581.1, NM_001407582.1, NM_001407583.1 and 30 more transcripts); c.2803G>A, p.Asp935Asn (NM_001407587.1, NM_001407590.1, NM_001407591.1 and 22 more transcripts); c.2797G>A, p.Asp933Asn (NM_001407646.1, NM_001407647.1); c.2683G>A, p.Asp895Asn (NM_001407648.1, NM_001407664.1, NM_001407665.1 and 19 more transcripts); c.2680G>A, p.Asp894Asn (NM_001407649.1, NM_001407670.1, NM_001407671.1 and 11 more transcripts); c.2728G>A, p.Asp910Asn (NM_001407653.1, NM_001407654.1, NM_001407655.1 and 4 more transcripts); c.2725G>A, p.Asp909Asn (NM_001407659.1, NM_001407660.1, NM_001407661.1 and 1 more transcripts); and 41 more; short protein forms D640N, D847N, D866N, D809N, D868N, D888N, D910N, D936N.
Identifiers: ClinVar variation 1796271 (VCV001796271.4), dbSNP rs2154358626, ClinGen allele CA10596384.